The following is an entry in ClinVar:

NM_000181.4(GUSB):c.1880G>A (p.Trp627Ter)

Gene: GUSB (glucuronidase beta; minus strand). Cytogenetic location: 7q11.21.
Variant type: single nucleotide variant.
Coding change: c.1880G>A on transcript NM_000181.4 (MANE Select); coding-DNA position 1880, G replaced by A.
Protein change: p.Trp627Ter; replaces tryptophan 627 with a stop codon.
Molecular consequence: nonsense. On other transcripts: non-coding transcript variant (1).
Genome position (GRCh38, 1-based): chr7:65,960,973, C>T on the plus strand (G>A on the coding strand, the complement: GUSB is on the minus strand). VCF-style: chr7-65960973-C-T. GRCh37 (hg19) VCF-style: chr7-65425960-C-T.
Other names: c.1442G>A, p.Trp481Ter (NM_001284290.2); c.1310G>A, p.Trp437Ter (NM_001293104.2); c.1223G>A, p.Trp408Ter (NM_001293105.2); short protein forms W481*, W627*, W408*, W437*.
Identifiers: ClinVar variation 936585 (VCV000936585.8), dbSNP rs1236992554, ClinGen allele CA367637248.
Genomic context (GRCh38, chr7:65,960,973, plus strand): 5'-TTTTCCAAACATTGTGACTTGGCTACTGAGTGGGGATACCTGGTTTCATTGGCAATCTTC[C>T]AGTATCTCTCTCGCAAAAGGAACGCTGCACTTTTTGGTTGTCTCTGCCGAGTGAAGATCC-3'

ClinVar aggregate classification (germline): Pathogenic/Likely pathogenic. Review status: criteria provided, multiple submitters, no conflicts (2 of 4 stars). 2 submissions from 2 submitters: Pathogenic (1); Likely pathogenic (1). Last evaluated 2025-07-10.

Conditions:
Mucopolysaccharidosis type 7 (MPS7). Also called: SLY SYNDROME; BETA-GLUCURONIDASE DEFICIENCY; MPS VII; GUSB DEFICIENCY. Identifiers: Orphanet 584, MedGen C0085132, MONDO:0009662, OMIM 253220.
GUSB-related disorders.

gnomAD v4.1: 7 of 1,613,636 alleles (0.00043%); highest among the groups gnomAD compares: Non-Finnish European, 0.00059%; no homozygotes.

Submissions (2):

Labcorp Genetics (formerly Invitae), Labcorp
Classification: Pathogenic for Mucopolysaccharidosis type 7. Last evaluated: 2025-07-10. Review status: criteria provided, single submitter. Criteria: Invitae Variant Classification Sherloc (09022015). Collection method: clinical testing. Allele origin: germline.
Comment: This sequence change creates a premature translational stop signal (p.Trp627*) in the GUSB gene. While this is not anticipated to result in nonsense mediated decay, it is expected to disrupt the last 25 amino acid(s) of the GUSB protein. This variant is not present in population databases (gnomAD no frequency). This variant has not been reported in the literature in individuals affected with GUSB-related conditions. ClinVar contains an entry for this variant (Variation ID: 936585). This variant disrupts a region of the GUSB protein in which other variant(s) (p.Trp627Cys) have been determined to be pathogenic (PMID: 7680524). This suggests that this is a clinically significant region of the protein, and that variants that disrupt it are likely to be disease-causing. For these reasons, this variant has been classified as Pathogenic.

Blueprint Genetics
Classification: Likely pathogenic for GUSB-related disorders. Last evaluated: 2023-07-24. Review status: criteria provided, single submitter. Criteria: ACMG Guidelines, 2015. Collection method: clinical testing. Allele origin: germline. Affected: yes. Observed: 2 variant alleles.

Literature cited by the submitters: PubMed 7680524 (cited by Labcorp Genetics (formerly Invitae), Labcorp).